The following is an entry in ClinVar:

NM_001267550.2(TTN):c.76816G>A (p.Val25606Ile)

Genes: TTN (titin; minus strand), TTN-AS1 (TTN antisense RNA 1; plus strand). Cytogenetic location: 2q31.2.
Variant type: single nucleotide variant.
Coding change: c.76816G>A on transcript NM_001267550.2 (MANE Select); coding-DNA position 76816, G replaced by A.
Protein change: p.Val25606Ile; replaces valine 25606 with isoleucine.
Molecular consequence: missense variant.
Genome position (GRCh38, 1-based): chr2:178,569,316, C>T on the plus strand (G>A on the coding strand, the complement: TTN is on the minus strand). VCF-style: chr2-178569316-C-T. GRCh37 (hg19) VCF-style: chr2-179434043-C-T.
Other names: p.V23965I:GTT>ATT; c.76816G>A (NM_001267550.1); c.71893G>A, p.Val23965Ile (NM_001256850.1); c.49621G>A, p.Val16541Ile (NM_003319.4); c.69112G>A, p.Val23038Ile (NM_133378.4); c.49996G>A, p.Val16666Ile (NM_133432.3); c.50197G>A, p.Val16733Ile (NM_133437.4); short protein forms V23965I, V25606I, V16541I, V16666I, V16733I, V23038I.
Identifiers: ClinVar variation 202873 (VCV000202873.2), dbSNP rs794729501, ClinGen allele CA310551.
Genomic context (GRCh38, chr2:178,569,316, plus strand): 5'-AAGGAGGTTCCCATGTAATTGATACTGAGTCTTTGGTGATTTCTGTGACTTTCAGGTTAA[C>T]AGGTGGACTTGGCGTGTCCAGAACTCTCACAGTAACAAAGGCAGACTTTGTTCCACTGCT-3'
Protein context (NP_001254479.2, residues 25596-25616): VRVLDTPSPP[Val25606Ile]NLKVTEITKD

ClinVar aggregate classification (germline): Uncertain significance (1 of 4 stars; one submission).

Allele frequency attached by ClinVar (database versions not stated): TOPMed 0.00003; gnomAD 0.00002.
gnomAD v4.1: 12 of 1,612,626 alleles (0.00074%); highest among the groups gnomAD compares: African/African-American, 0.011%; no homozygotes.

Submission:

GeneDx
Classification: Uncertain significance. Last evaluated: 2025-11-18. Review status: criteria provided, single submitter. Criteria: GeneDx Variant Classification Process June 2021. Collection method: clinical testing. Allele origin: germline. Affected: yes.
Comment: Not observed at significant frequency in large population cohorts (gnomAD); Missense variant in a gene in which most reported pathogenic variants are truncating/loss of function; Has not been previously published as pathogenic or benign to our knowledge